The following is an entry in ClinVar:

NM_014915.3(ANKRD26):c.3079A>G (p.Lys1027Glu)

Gene: ANKRD26 (ankyrin repeat domain containing 26; minus strand). Cytogenetic location: 10p12.1.
Variant type: single nucleotide variant.
Coding change: c.3079A>G on transcript NM_014915.3 (MANE Select); coding-DNA position 3079, A replaced by G.
Protein change: p.Lys1027Glu; replaces lysine 1027 with glutamic acid.
Molecular consequence: missense variant.
Genome position (GRCh38, 1-based): chr10:27,035,371, T>C on the plus strand (A>G on the coding strand, the complement: ANKRD26 is on the minus strand). VCF-style: chr10-27035371-T-C. GRCh37 (hg19) VCF-style: chr10-27324300-T-C.
Other names: c.3076A>G, p.Lys1026Glu (NM_001256053.2); short protein forms K1026E, K1027E.
Identifiers: ClinVar variation 4104774 (VCV004104774.1).

ClinVar aggregate classification (germline): Uncertain significance (1 of 4 stars; one submission).

Conditions:
Inborn genetic diseases. Identifiers: MedGen C0950123, MeSH D030342.

gnomAD v4.1: 2 of 1,614,016 alleles (0.00012%); highest among the groups gnomAD compares: East Asian, 0.0045%; no homozygotes.

Submission:

Ambry Genetics
Classification: Uncertain significance for Inborn genetic diseases. Last evaluated: 2025-09-10. Review status: criteria provided, single submitter. Criteria: Ambry Variant Classification Scheme 2023. Collection method: clinical testing. Allele origin: germline.
Comment: The p.K1027E variant (also known as c.3079A>G), located in coding exon 24 of the ANKRD26 gene, results from an A to G substitution at nucleotide position 3079. The lysine at codon 1027 is replaced by glutamic acid, an amino acid with similar properties. This amino acid position is conserved. In addition, this alteration is predicted to be tolerated by in silico analysis. Based on the available evidence, the clinical significance of this variant remains unclear.